The following is an entry in ClinVar:

NM_144599.5(NIPA1):c.24GGC[5] (p.Ala14_Ala16del)

Genes: NIPA1 (NIPA magnesium transporter 1; plus strand), LOC130056709 (ATAC-STARR-seq lymphoblastoid silent region 6259; plus strand). Cytogenetic location: 15q11.2.
Variant type: Microsatellite.
Coding change: c.24GGC[5] on transcript NM_144599.5 (MANE Select); five copies in a row of the 3-base unit GGC starting at c.24; the reference has eight copies in a row; three copies, 9 bases deleted; also written c.39_47del.
Protein change: p.Ala14_Ala16del.
Molecular consequence: inframe deletion. On other transcripts: intron variant (1).
Genome position (GRCh38, 1-based): chr15:22,786,695-22,786,703, GGCGGCGGC deleted; deleting any 9 consecutive bases within chr15:22,786,678-22,786,703 gives the same sequence; the position shown is the placement nearest the transcript's 3' end. VCF-style (leftmost placement, unchanged base first): chr15-22786677-AGCGGCGGCG-A. GRCh37 (hg19) VCF-style: chr15-23086364-GGCCGCCGCC-G.
Other names: p.Ala14_Ala16del; c.39_47del (NM_144599.4, NM_144599.5); c.-48+430GCG[5] (NM_001142275.1).
Identifiers: ClinVar variation 241881 (VCV000241881.38), dbSNP rs531550505, ClinGen allele CA7426228.
Genomic context (GRCh38, chr15:22,786,677, plus strand): 5'-CGGCGCGCAGGCGCAGGCTCGGAGGGCGGGCGCGGGCGGAATGGGGACTGCAGCTGCGGC[AGCGGCGGCG>A]GCGGCGGCGGCGGCGGCCGGGGAGGGGGCGCGTAGCCCGAGCCCCGCCGCCGTGTCGCTC-3'

ClinVar aggregate classification (germline): Benign/Likely benign. Review status: criteria provided, multiple submitters, no conflicts (2 of 4 stars). 4 submissions from 4 submitters: Benign (2); Likely benign (2). Last evaluated 2025-12-15.

Conditions:
Hereditary spastic paraplegia 6 (SPG6). Also called: SPASTIC PARAPLEGIA 6, AUTOSOMAL DOMINANT. Identifiers: Orphanet 100988, MedGen C1838192, MONDO:0010878, OMIM 600363.

Submissions (4):

Labcorp Genetics (formerly Invitae), Labcorp
Classification: Likely benign for Hereditary spastic paraplegia 6. Last evaluated: 2025-12-15. Review status: criteria provided, single submitter. Criteria: Invitae Variant Classification Sherloc (09022015). Collection method: clinical testing. Allele origin: germline.

CeGaT Center for Human Genetics Tuebingen
Classification: Likely benign. Last evaluated: 2025-05-01. Review status: criteria provided, single submitter. Criteria: CeGaT Center For Human Genetics Tuebingen Variant Classification Criteria Version 2. Collection method: clinical testing. Allele origin: germline. Affected: yes. Observed: 2 variant alleles.
Comment: NIPA1: BS1

GeneDx
Classification: Benign. Last evaluated: 2021-03-23. Review status: criteria provided, single submitter. Criteria: GeneDx Variant Classification Process June 2021. Collection method: clinical testing. Allele origin: germline. Affected: yes.
Comment: This variant is associated with the following publications: (PMID: 24866401)

Mayo Clinic Laboratories, Mayo Clinic
Classification: Benign. Last evaluated: 2020-05-14. Review status: criteria provided, single submitter. Criteria: ACMG Guidelines, 2015. Collection method: clinical testing. Allele origin: germline. Observed: 8 variant alleles.